The following is an entry in ClinVar:

GRCh38/hg38 6q16.3(chr6:102026630-102674870)x1

Genes: GRIK2 (glutamate ionotropic receptor kainate type subunit 2; plus strand), LOC126859750 (MED14-independent group 3 enhancer GRCh37_chr6:102521075-102522274; plus strand), LOC132089305 (Neanderthal introgressed variant-containing enhancer experimental_87080; plus strand), LOC132089306 (Neanderthal introgressed variant-containing enhancer experimental_87095; plus strand), LOC132089307 (Neanderthal introgressed variant-containing enhancer experimental_87198; plus strand). Cytogenetic location: 6q16.3.
Variant type: copy number loss.
Change: copy number 1 (one copy instead of two) of chr6:102,026,630-102,674,870 (648.2 kb, GRCh38 coordinates, 1-based), cytogenetic band 6q16.3.
Identifiers: ClinVar variation 57065 (VCV000057065.1).

ClinVar aggregate classification (germline): Uncertain significance (1 of 4 stars; one submission).

Submission:

ISCA site 4
Classification: Uncertain significance. Last evaluated: 2011-08-12. Review status: criteria provided, single submitter. Criteria: Kaminsky et al. (Genet Med. 2011). Collection method: clinical testing. Allele origin: paternal. Affected: yes. Observed: 1 variant allele.
Comment: Copy number variation identified through the course of routine clinical cytogenomic testing in postnatal populations. Clinical assertions have been curated as described in Kaminsky et al. 2011.